The following is an entry in ClinVar:

NM_006514.4(SCN10A):c.2107G>A (p.Val703Ile)

Gene: SCN10A (sodium voltage-gated channel alpha subunit 10; minus strand). Cytogenetic location: 3p22.2.
Variant type: single nucleotide variant.
Coding change: c.2107G>A on transcript NM_006514.4 (MANE Select); coding-DNA position 2107, G replaced by A.
Protein change: p.Val703Ile; replaces valine 703 with isoleucine.
Molecular consequence: missense variant.
Genome position (GRCh38, 1-based): chr3:38,739,688, C>T on the plus strand (G>A on the coding strand, the complement: SCN10A is on the minus strand). VCF-style: chr3-38739688-C-T. GRCh37 (hg19) VCF-style: chr3-38781179-C-T.
Other names: c.2107G>A, p.Val703Ile (NM_001293306.2); c.1813G>A, p.Val605Ile (NM_001293307.2); short protein forms V605I, V703I.
Identifiers: ClinVar variation 3158490 (VCV003158490.2), dbSNP rs762338672, ClinGen allele CA2320630.

ClinVar aggregate classification (germline): Uncertain significance (1 of 4 stars; one submission).

Conditions:
Cardiovascular phenotype. Identifiers: MedGen CN230736.

Allele frequency attached by ClinVar (database versions not stated): ExAC 0.00002.
gnomAD v4.1: 4 of 1,609,790 alleles (0.00025%); highest among the groups gnomAD compares: East Asian, 0.0022%; no homozygotes.

Submission:

Ambry Genetics
Classification: Uncertain significance for Cardiovascular phenotype. Last evaluated: 2025-08-24. Review status: criteria provided, single submitter. Criteria: Ambry Variant Classification Scheme 2023. Collection method: clinical testing. Allele origin: germline.
Comment: The p.V703I variant (also known as c.2107G>A) is located in coding exon 14 of the SCN10A gene. The valine at codon 703 is replaced by isoleucine, an amino acid with highly similar properties. This change occurs in the first base pair of coding exon 14. This amino acid position is conserved. In addition, the in silico prediction for this alteration is inconclusive. Based on the available evidence, the clinical significance of this variant remains unclear.